The following is an entry in ClinVar:

ClinVar aggregate classification (germline): Pathogenic/Likely pathogenic. Review status: criteria provided, multiple submitters, no conflicts (2 of 4 stars). 5 submissions from 5 submitters: Pathogenic (4); Likely pathogenic (1). Last evaluated 2026-06-22.

Conditions:
GRN-related frontotemporal lobar degeneration with Tdp43 inclusions (FTD2). Also called: GRN Frontotemporal Dementia; FRONTOTEMPORAL DEMENTIA WITH TDP43 INCLUSIONS, GRN-RELATED; DEMENTIA, HEREDITARY DYSPHASIC DISINHIBITION; FRONTOTEMPORAL LOBAR DEGENERATION WITH UBIQUITIN-POSITIVE INCLUSIONS; FTLD-TDP, GRN-RELATED. Identifiers: Orphanet 100070, Orphanet 282, MedGen C1843792, MONDO:0011842, OMIM 607485. Disease mechanism: loss of function.
Neuronal ceroid lipofuscinosis 11. Also called: GRN-Related Neuronal Ceroid-Lipofuscinosis. Identifiers: Orphanet 314629, Orphanet 79262, MedGen C3539123, MONDO:0013866, OMIM 614706.
GRN-related disorder. Also called: GRN-related condition; GRN-related disorders.

gnomAD v4.1: 3 of 1,614,070 alleles (0.00019%); highest among the groups gnomAD compares: Non-Finnish European, 0.00025%; no homozygotes.

Submissions (5):

PreventionGenetics, part of Exact Sciences
Classification: Pathogenic for GRN-related condition. Last evaluated: 2026-06-22. Review status: criteria provided, single submitter. Criteria: ACMG Guidelines, 2015. Collection method: clinical testing. Allele origin: germline.
Comment: The GRN c.1072C>T variant is predicted to result in premature protein termination (p.Gln358*). This variant has been reported in an individual with frontotemporal lobar degeneration and two individuals with primary progressive aphasia (Table 2, Chen-Plotkin et al. 2011. PubMed ID: 21482928; Table e-2, Saracino et al. 2021. PubMed ID: 33980708). This variant has not been reported in a large population database, indicating this variant is rare. Nonsense variants in GRN are expected to be pathogenic. This variant is interpreted as pathogenic.

Labcorp Genetics (formerly Invitae), Labcorp
Classification: Pathogenic for Neuronal ceroid lipofuscinosis 11; GRN-related frontotemporal lobar degeneration with Tdp43 inclusions. Last evaluated: 2022-04-07. Review status: criteria provided, single submitter. Criteria: Invitae Variant Classification Sherloc (09022015). Collection method: clinical testing. Allele origin: germline.
Comment: This sequence change creates a premature translational stop signal (p.Gln358*) in the GRN gene. It is expected to result in an absent or disrupted protein product. Loss-of-function variants in GRN are known to be pathogenic (PMID: 16862116, 16950801, 22608501). This variant is not present in population databases (gnomAD no frequency). This premature translational stop signal has been observed in individual(s) with GRN-related conditions (PMID: 21482928, 33980708). ClinVar contains an entry for this variant (Variation ID: 447470). For these reasons, this variant has been classified as Pathogenic.

GeneDx
Classification: Likely pathogenic. Last evaluated: 2021-11-23. Review status: criteria provided, single submitter. Criteria: GeneDx Variant Classification Process June 2021. Collection method: clinical testing. Allele origin: germline. Affected: yes.
Comment: Observed in individual with frontotemporal lobar degeneration with TDP-43 inclusions (Chen-Plotkin et al., 2011); Nonsense variant predicted to result in protein truncation or nonsense mediated decay in a gene for which loss-of-function is a known mechanism of disease; Not observed in large population cohorts (Lek et al., 2016) This variant is associated with the following publications: (PMID: 29724592, 23742080, 25525159, 21482928)

Athena Diagnostics
Classification: Pathogenic. Last evaluated: 2017-06-05. Review status: criteria provided, single submitter. Criteria: Athena Diagnostics Criteria. Collection method: clinical testing. Allele origin: germline.

Kariminejad - Najmabadi Pathology & Genetics Center
Classification: Pathogenic for Neuronal ceroid lipofuscinosis 11. Review status: criteria provided, single submitter. Criteria: ACMG Guidelines, 2015. Collection method: clinical testing. Allele origin: germline. Affected: no.

Literature cited by the submitters: PubMed 16862116 (cited by Labcorp Genetics (formerly Invitae), Labcorp); PubMed 16950801 (cited by Labcorp Genetics (formerly Invitae), Labcorp); PubMed 22608501 (cited by Labcorp Genetics (formerly Invitae), Labcorp); PubMed 21482928 (cited by Labcorp Genetics (formerly Invitae), Labcorp and Athena Diagnostics); PubMed 33980708 (cited by Labcorp Genetics (formerly Invitae), Labcorp); PubMed 25525159 (cited by Athena Diagnostics).

NM_002087.4(GRN):c.1072C>T (p.Gln358Ter)

Gene: GRN (granulin precursor; plus strand). Cytogenetic location: 17q21.31.
Variant type: single nucleotide variant.
Coding change: c.1072C>T on transcript NM_002087.4 (MANE Select); coding-DNA position 1072, C replaced by T.
Protein change: p.Gln358Ter; replaces glutamine 358 with a stop codon.
Molecular consequence: nonsense.
Genome position (GRCh38, 1-based): chr17:44,351,688, C>T. VCF-style: chr17-44351688-C-T. GRCh37 (hg19) VCF-style: chr17-42429056-C-T.
Other names: c.1072C>T (NM_002087.3); short protein forms Q358*.
Identifiers: ClinVar variation 447470 (VCV000447470.11), dbSNP rs1555611293, ClinGen allele CA399765702.